The following is an entry in ClinVar:

NM_019098.4(CNGB3):c.(1578+1_1579-1)_(*1_?)del

Gene: CNGB3 (cyclic nucleotide gated channel subunit beta 3; minus strand).
Variant type: Deletion.
Coding change: c.(1578+1_1579-1)_(*1_?)del on transcript NM_019098.4; a large deletion whose breakpoints are not mapped to the base.
Identifiers: ClinVar variation 427719 (VCV000427719.1).

ClinVar aggregate classification (germline): Pathogenic (0 of 4 stars; one submission).

Conditions:
Achromatopsia 3 (ACHM3). Also called: PINGELAPESE BLINDNESS; TOTAL COLORBLINDNESS WITH MYOPIA; ROD MONOCHROMACY 1; ROD MONOCHROMATISM 1; ACHROMATOPSIA WITH MYOPIA. Identifiers: Orphanet 49382, MedGen C1849792, MONDO:0009875, OMIM 262300.

Submission:

Molecular Genetics Laboratory, Institute for Ophthalmic Research
Classification: Pathogenic for ACHM3. Last evaluated: 2017-03-27. Review status: no assertion criteria provided. Collection method: research. Allele origin: unknown. Affected: yes.
Comment: Deletion of exons 14-18

Literature cited by the submitters: PubMed 28795510.